The following is an entry in ClinVar:

NM_006514.4(SCN10A):c.5426A>G (p.Lys1809Arg)

Gene: SCN10A (sodium voltage-gated channel alpha subunit 10; minus strand). Cytogenetic location: 3p22.2.
Variant type: single nucleotide variant.
Coding change: c.5426A>G on transcript NM_006514.4 (MANE Select); coding-DNA position 5426, A replaced by G.
Protein change: p.Lys1809Arg; replaces lysine 1809 with arginine.
Molecular consequence: missense variant.
Genome position (GRCh38, 1-based): chr3:38,697,794, T>C on the plus strand (A>G on the coding strand, the complement: SCN10A is on the minus strand). VCF-style: chr3-38697794-T-C. GRCh37 (hg19) VCF-style: chr3-38739285-T-C.
Other names: c.5423A>G, p.Lys1808Arg (NM_001293306.2); c.5132A>G, p.Lys1711Arg (NM_001293307.2); short protein forms K1711R, K1809R, K1808R.
Identifiers: ClinVar variation 1747465 (VCV001747465.7), dbSNP rs561166361, ClinGen allele CA2319674.

ClinVar aggregate classification (germline): Conflicting classifications of pathogenicity. Review status: criteria provided, conflicting classifications (1 of 4 stars). 2 submissions from 2 submitters: Uncertain significance (1); Likely benign (1). Last evaluated 2025-12-09.

Conditions:
Brugada syndrome. Also called: Sudden unexpected nocturnal death syndrome; Sudden unexplained nocturnal death syndrome; Sudden Unexplained Death Syndrome; Sudden Unexplained Nocturnal Death Syndrome (SUNDS). Identifiers: Orphanet 130, MedGen C1142166, MONDO:0015263.
Cardiovascular phenotype. Identifiers: MedGen CN230736.

Allele frequency attached by ClinVar (database versions not stated): ExAC 0.00001; gnomAD 0.00001; gnomAD exomes 0.00001; TOPMed 0.00001; 1000 Genomes Project 0.00020; 1000 Genomes Project 30x 0.00031.
gnomAD v4.1: 15 of 1,614,200 alleles (0.00093%); highest among the groups gnomAD compares: East Asian, 0.031%; no homozygotes.

Submissions (2):

Labcorp Genetics (formerly Invitae), Labcorp
Classification: Uncertain significance for Brugada syndrome. Last evaluated: 2025-12-09. Review status: criteria provided, single submitter. Criteria: Invitae Variant Classification Sherloc (09022015). Collection method: clinical testing. Allele origin: germline.
Comment: This sequence change replaces lysine, which is basic and polar, with arginine, which is basic and polar, at codon 1809 of the SCN10A protein (p.Lys1809Arg). This variant is present in population databases (rs561166361, gnomAD 0.03%). This missense change has been observed in individual(s) with clinical features of autosomal dominant SCN10A-related conditions (PMID: 29992996). ClinVar contains an entry for this variant (Variation ID: 1747465). Invitae Evidence Modeling of protein sequence and biophysical properties (such as structural, functional, and spatial information, amino acid conservation, physicochemical variation, residue mobility, and thermodynamic stability) indicates that this missense variant is not expected to disrupt SCN10A protein function with a negative predictive value of 80%. Experimental studies have shown that this missense change affects SCN10A function (PMID: 29992996). In summary, the available evidence is currently insufficient to determine the role of this variant in disease. Therefore, it has been classified as a Variant of Uncertain Significance.

Ambry Genetics
Classification: Likely benign for Cardiovascular phenotype. Last evaluated: 2022-10-11. Review status: criteria provided, single submitter. Criteria: Ambry Variant Classification Scheme 2023. Collection method: clinical testing. Allele origin: germline.

Literature cited by the submitters: PubMed 29992996 (cited by Labcorp Genetics (formerly Invitae), Labcorp).